The following is an entry in ClinVar:

ClinVar aggregate classification (germline): Conflicting classifications of pathogenicity. Review status: criteria provided, conflicting classifications (1 of 4 stars). 15 submissions from 15 submitters: Uncertain significance (9); Likely benign (2). 4 of the submissions do not count toward it. Last evaluated 2026-02-04.

Conditions:
BRCA2-related cancer predisposition. Identifiers: MedGen CN377758, MONDO:0700269.
Breast and/or ovarian cancer. Identifiers: MedGen CN221562.
Hereditary cancer-predisposing syndrome. Also called: Tumor predisposition; Neoplastic Syndromes, Hereditary; Hereditary neoplastic syndrome; Hereditary Cancer Syndrome. Identifiers: Orphanet 140162, MedGen C0027672, MeSH D009386, MONDO:0015356.
Hereditary breast ovarian cancer syndrome. Also called: Hereditary breast and ovarian cancer; BRCA1- and BRCA2-Associated Hereditary Breast and Ovarian Cancer; Hereditary breast and/or ovarian cancer syndrome; Hereditary breast and ovarian cancer syndrome; Breast and ovarian cancer; Hereditary breast and ovarian cancer syndrome (HBOC). Identifiers: Orphanet 145, MedGen C0677776, MeSH D061325, MONDO:0003582. Disease mechanism: loss of function.
Breast-ovarian cancer, familial, susceptibility to, 2 (BROVCA2). Also called: BRCA2 Hereditary Breast and Ovarian Cancer. Identifiers: Orphanet 145, MedGen C2675520, MONDO:0012933, OMIM 612555. Disease mechanism: loss of function.
Malignant tumor of breast. Also called: Malignant breast neoplasm; Cancer breast. Identifiers: MedGen C0006142, MONDO:0007254. Disease mechanism: loss of function.

Allele frequency attached by ClinVar (database versions not stated): gnomAD exomes below 0.00001 and 0.00001; gnomAD 0.00001; TOPMed 0.00003.
gnomAD v4.1: 13 of 1,609,490 alleles (0.00081%); highest among the groups gnomAD compares: East Asian, 0.0022%; no homozygotes.

Submissions 1 to 8 of 15:

Labcorp Genetics (formerly Invitae), Labcorp
Classification: Likely benign for Hereditary breast ovarian cancer syndrome. Last evaluated: 2026-02-04. Review status: criteria provided, single submitter. Criteria: Invitae Variant Classification Sherloc (09022015). Collection method: clinical testing. Allele origin: germline.

Color Diagnostics, LLC DBA Color Health
Classification: Uncertain significance for Hereditary cancer-predisposing syndrome. Last evaluated: 2025-07-23. Review status: criteria provided, single submitter. Criteria: ACMG Guidelines, 2015. Collection method: clinical testing. Allele origin: germline.
Comment: This missense variant replaces proline with leucine at codon 2329 of the BRCA2 protein. Computational prediction is inconclusive regarding the impact of this variant on protein structure and function. A functional study has shown that this variant protein moderately increases the sensitivity to PARP inhibitors in mammalian cells when compared with the wild-type protein (PMID: 32444794). This variant has been reported in at least five individuals affected with breast or ovarian cancer (PMID: 26221963, 28828701, 33471991, 35402282Leiden Open Variation Database DB-ID BRCA2_008552) and in a prostate cancer case-control study in 2/7636 cases and 2/12366 unaffected individuals (PMID: 31214711). Multifactorial analysis has reached a combined likelihood ratio (LR) of 0.849 based on reported LR for co-occurrence with a pathogenic variant and personal and family history for 2 carriers (PMID: 31131967, 31853058). This variant has also been identified in 1/250074 chromosomes in the general population by the Genome Aggregation Database (gnomAD), and it has been detected in 1 individuals older than age 70 years who have never had cancer (FLOSSIES database). The available evidence is insufficient to determine the role of this variant in disease conclusively. Therefore, this variant is classified as a Variant of Uncertain Significance.

Women's Health and Genetics/Laboratory Corporation of America, LabCorp
Classification: Uncertain significance. Last evaluated: 2025-07-07. Review status: criteria provided, single submitter. Criteria: LabCorp Variant Classification Summary - May 2015. Collection method: clinical testing. Allele origin: germline.
Comment: Variant summary: BRCA2 c.6986C>T (p.Pro2329Leu) results in a non-conservative amino acid change in the encoded protein sequence. Algorithms developed to predict the effect of missense changes on protein structure and function all suggest that this variant is likely to be disruptive. The variant allele was found at a frequency of 4e-06 in 250074 control chromosomes (gnomAD). The available data on variant occurrences in the general population are insufficient to allow any conclusion about variant significance. c.6986C>T has been observed in individuals affected with Breast Cancer without evidence of cosegregation with disease (e.g., Wong_2015, Dorling_2021). These reports do not provide unequivocal conclusions about association of the variant with Hereditary Breast And Ovarian Cancer Syndrome. To our knowledge, no experimental evidence demonstrating an impact on protein function has been reported. The following publications have been ascertained in the context of this evaluation (PMID: 22921312, 26221963, 33471991). ClinVar contains an entry for this variant (Variation ID: 52231). Based on the evidence outlined above, the variant was classified as uncertain significance.

Dasa
Classification: Uncertain significance for Breast-ovarian cancer, familial, susceptibility to, 2. Last evaluated: 2025-04-14. Review status: criteria provided, single submitter. Criteria: DASA Assertion Criteria. Collection method: clinical testing. Allele origin: germline.
Comment: NM_000059.4(BRCA2):c.6986C>T (p.Pro2329Leu) is a missense variant that results in the substitution of proline with leucine. This variant is rare in population databases. The currently available literature and clinical evidence are not sufficient to establish a definitive association between this variant and the reported condition. Therefore, this variant is classified as a variant of uncertain significance.

Quest Diagnostics Nichols Institute San Juan Capistrano
Classification: Uncertain significance. Last evaluated: 2024-10-31. Review status: criteria provided, single submitter. Criteria: Quest Diagnostics criteria. Collection method: clinical testing. Allele origin: unknown.
Comment: The BRCA2 c.6986C>T (p.Pro2329Leu) variant has been reported in the published literature in individuals with prostate cancer (PMID: 31214711 (2020)), breast cancer (PMID: 26221963 (2015), 32885271 (2021), 33471991 (2021), 35402282 (2022), see also LOVD). This variant has also been identified in a reportedly healthy individual (PMID: 33471991 (2021), see also LOVD). In addition, this variant has been reported to have intermediate sensitivity to PARP inhibitors (PMID: 32444794 (2020)). The frequency of this variant in the general population, 0.000004 (1/250074 chromosomes (Genome Aggregation Database)), is uninformative in the assessment of its pathogenicity. Analysis of this variant using bioinformatics tools for the prediction of the effect of amino acid changes on protein structure and function yielded predictions that this variant is damaging. Based on the available information, we are unable to determine the clinical significance of this variant.

All of Us Research Program, National Institutes of Health
Classification: Uncertain significance for BRCA2-related cancer predisposition. Last evaluated: 2024-04-16. Review status: criteria provided, single submitter. Criteria: ACMG Guidelines, 2015. Collection method: clinical testing. Allele origin: germline. Inheritance: Autosomal dominant inheritance. Observed: 7 variant alleles, 7 heterozygotes.
Comment: This missense variant replaces proline with leucine at codon 2329 of the BRCA2 protein. Computational prediction suggests that this variant may have deleterious impact on protein structure and function (internally defined REVEL score threshold >= 0.7, PMID: 27666373). A functional study has shown that this variant protein moderately increases the sensitivity to PARP inhibitors in mammalian cells when compared with the wild-type protein (PMID: 32444794). This variant has been reported in at least four individuals affected with breast cancer (PMID: 26221963, 28828701, 33471991; Leiden Open Variation Database DB-ID BRCA2_008552) and in a prostate cancer case-control study in 2/7636 cases and 2/12366 unaffected individuals (PMID: 31214711). This variant has also been identified in 1/250074 chromosomes in the general population by the Genome Aggregation Database (gnomAD). The available evidence is insufficient to determine the role of this variant in disease conclusively. Therefore, this variant is classified as a Variant of Uncertain Significance.

This study involves interpretation of variants in research participants for the purpose of population health screening. Participant phenotype was not available at the time of variant classification. Additional details can be found in publication PMID: 35346344, PMCID: PMC8962531

Blueprint Genetics
Classification: Likely benign. Last evaluated: 2024-03-14. Review status: criteria provided, single submitter. Criteria: ACMG Guidelines, 2015. Collection method: clinical testing. Allele origin: germline.

Ambry Genetics
Classification: Uncertain significance for Hereditary cancer-predisposing syndrome. Last evaluated: 2023-11-30. Review status: criteria provided, single submitter. Criteria: Ambry Variant Classification Scheme 2023. Collection method: clinical testing. Allele origin: germline.
Comment: The p.P2329L variant (also known as c.6986C>T), located in coding exon 12 of the BRCA2 gene, results from a C to T substitution at nucleotide position 6986. The proline at codon 2329 is replaced by leucine, an amino acid with similar properties. This alteration has been reported in multiple individuals with a personal and/or family history of breast and/or ovarian cancer (Wong ESY et al. NPJ Genom Med. 2016 Jan;1:15003; Zidan J et al. Breast Cancer Res Treat. 2017 Dec;166:881-885; Lerner-Ellis J et al. J Cancer Res Clin Oncol, 2021 Mar;147:871-879; Abdel-Razeq H et al. Front Oncol, 2022 Mar;12:673094). This amino acid position is highly conserved in available vertebrate species. In addition, this alteration is predicted to be deleterious by in silico analysis. Since supporting evidence is limited at this time, the clinical significance of this alteration remains unclear.

NM_000059.4(BRCA2):c.6986C>T (p.Pro2329Leu)

Gene: BRCA2 (BRCA2 DNA repair associated; plus strand). Cytogenetic location: 13q13.1.
Variant type: single nucleotide variant.
Coding change: c.6986C>T on transcript NM_000059.4 (MANE Select); coding-DNA position 6986, C replaced by T.
Protein change: p.Pro2329Leu; replaces proline 2329 with leucine.
Molecular consequence: missense variant.
Genome position (GRCh38, 1-based): chr13:32,346,875, C>T. VCF-style: chr13-32346875-C-T. GRCh37 (hg19) VCF-style: chr13-32921012-C-T.
Other names: p.P2329L:CCG>CTG; 7214C>T; short protein forms P2329L.
Identifiers: ClinVar variation 52231 (VCV000052231.37), dbSNP rs80358925, ClinGen allele CA024664.
Genomic context (GRCh38, chr13:32,346,875, plus strand): 5'-ATTGTTTCCTAGGCACAATAAAAGATCGAAGATTGTTTATGCATCATGTTTCTTTAGAGC[C>T]GATTACCTGTGTACCCTTTCGGTAAGACATGTTTAAATTTTTCTAAATTCTAATACAGTA-3'
Protein context (NP_000050.3, residues 2319-2339): RLFMHHVSLE[Pro2329Leu]ITCVPFRTTK